The following is an entry in ClinVar:

ClinVar aggregate classification (germline): Uncertain significance (1 of 4 stars; one submission).

Allele frequency attached by ClinVar (database versions not stated): TOPMed below 0.00001; gnomAD 0.00001; ESP Exome Variant Server 0.00008.
gnomAD v4.1: 4 of 1,612,152 alleles (0.00025%); highest among the groups gnomAD compares: Non-Finnish European, 0.00034%; no homozygotes.

Submission:

Labcorp Genetics (formerly Invitae), Labcorp
Classification: Uncertain significance. Last evaluated: 2024-08-11. Review status: criteria provided, single submitter. Criteria: Invitae Variant Classification Sherloc (09022015). Collection method: clinical testing. Allele origin: germline.
Comment: This sequence change replaces leucine, which is neutral and non-polar, with methionine, which is neutral and non-polar, at codon 411 of the TNNI3K protein (p.Leu411Met). This variant is present in population databases (rs143366740, gnomAD 0.0009%). This variant has not been reported in the literature in individuals affected with TNNI3K-related conditions. ClinVar contains an entry for this variant (Variation ID: 1975199). Advanced modeling of protein sequence and biophysical properties (such as structural, functional, and spatial information, amino acid conservation, physicochemical variation, residue mobility, and thermodynamic stability) performed at Invitae indicates that this missense variant is not expected to disrupt TNNI3K protein function with a negative predictive value of 80%. In summary, the available evidence is currently insufficient to determine the role of this variant in disease. Therefore, it has been classified as a Variant of Uncertain Significance.

NM_015978.3(TNNI3K):c.1231T>A (p.Leu411Met)

Genes: FPGT-TNNI3K (FPGT-TNNI3K readthrough; plus strand), TNNI3K (TNNI3 interacting kinase; plus strand). Cytogenetic location: 1p31.1.
Variant type: single nucleotide variant.
Coding change: c.1231T>A on transcript NM_015978.3 (MANE Select); coding-DNA position 1231, T replaced by A.
Protein change: p.Leu411Met; replaces leucine 411 with methionine.
Molecular consequence: missense variant.
Genome position (GRCh38, 1-based): chr1:74,367,309, T>A. VCF-style: chr1-74367309-T-A. GRCh37 (hg19) VCF-style: chr1-74832993-T-A.
Other names: c.1534T>A, p.Leu512Met (NM_001112808.3, NM_001199327.2); short protein forms L411M, L512M.
Identifiers: ClinVar variation 1975199 (VCV001975199.5), dbSNP rs143366740, ClinGen allele CA909200.